The following is an entry in ClinVar:

ClinVar aggregate classification (germline): Uncertain significance (1 of 4 stars; one submission).

Conditions:
Pallister-Hall syndrome (PHS). Also called: HYPOTHALAMIC HAMARTOBLASTOMA, HYPOPITUITARISM, IMPERFORATE ANUS, AND POSTAXIAL POLYDACTYLY; GLI3-Related Pallister-Hall Syndrome. Identifiers: Orphanet 672, MedGen C0265220, MONDO:0007804, OMIM 146510.
Greig cephalopolysyndactyly syndrome (GCPS). Also called: POLYSYNDACTYLY WITH PECULIAR SKULL SHAPE; Greig syndrome; GLI3-Related Greig Cephalopolysyndactyly Syndrome. Identifiers: Orphanet 380, MedGen C0265306, MONDO:0008287, OMIM 175700.

Submission:

Labcorp Genetics (formerly Invitae), Labcorp
Classification: Uncertain significance for Pallister-Hall syndrome; Greig cephalopolysyndactyly syndrome. Last evaluated: 2024-01-19. Review status: criteria provided, single submitter. Criteria: Invitae Variant Classification Sherloc (09022015). Collection method: clinical testing. Allele origin: germline.
Comment: This sequence change replaces arginine, which is basic and polar, with proline, which is neutral and non-polar, at codon 905 of the GLI3 protein (p.Arg905Pro). This variant is not present in population databases (gnomAD no frequency). This variant has not been reported in the literature in individuals affected with GLI3-related conditions. Advanced modeling of protein sequence and biophysical properties (such as structural, functional, and spatial information, amino acid conservation, physicochemical variation, residue mobility, and thermodynamic stability) performed at Invitae indicates that this missense variant is expected to disrupt GLI3 protein function with a positive predictive value of 80%. In summary, the available evidence is currently insufficient to determine the role of this variant in disease. Therefore, it has been classified as a Variant of Uncertain Significance.

NM_000168.6(GLI3):c.2714G>C (p.Arg905Pro)

Gene: GLI3 (GLI family zinc finger 3; minus strand). Cytogenetic location: 7p14.1.
Variant type: single nucleotide variant.
Coding change: c.2714G>C on transcript NM_000168.6 (MANE Select); coding-DNA position 2714, G replaced by C.
Protein change: p.Arg905Pro; replaces arginine 905 with proline.
Molecular consequence: missense variant.
Genome position (GRCh38, 1-based): chr7:41,966,359, C>G on the plus strand (G>C on the coding strand, the complement: GLI3 is on the minus strand). VCF-style: chr7-41966359-C-G. GRCh37 (hg19) VCF-style: chr7-42005957-C-G.
Other names: short protein forms R905P.
Identifiers: ClinVar variation 2936060 (VCV002936060.3), dbSNP rs2128706238, ClinGen allele CA367320499.